The following is an entry in ClinVar:

ClinVar aggregate classification (germline): Pathogenic (1 of 4 stars; one submission).

Conditions:
Joubert syndrome. Also called: CEREBELLOPARENCHYMAL DISORDER IV; JOUBERT-BOLTSHAUSER SYNDROME; Familial aplasia of the vermis. Identifiers: Orphanet 475, MedGen C5979921, MONDO:0018772.
Nephronophthisis. Also called: Juvenile Nephronophthisis. Identifiers: Orphanet 655, MedGen C0687120, MONDO:0019005, HP:0000090.
Meckel-Gruber syndrome. Also called: DYSENCEPHALIA SPLANCHNOCYSTICA; GRUBER SYNDROME; Dysencephalia splachnocystica. Identifiers: Orphanet 564, MedGen C0265215, MONDO:0018921.

Submission:

Labcorp Genetics (formerly Invitae), Labcorp
Classification: Pathogenic for Joubert syndrome; Meckel-Gruber syndrome; Nephronophthisis. Last evaluated: 2023-10-07. Review status: criteria provided, single submitter. Criteria: Invitae Variant Classification Sherloc (09022015). Collection method: clinical testing. Allele origin: germline.
Comment: This sequence change creates a premature translational stop signal (p.Leu1837Glufs*13) in the CEP290 gene. It is expected to result in an absent or disrupted protein product. Loss-of-function variants in CEP290 are known to be pathogenic (PMID: 16909394, 17345604, 20690115). This variant is not present in population databases (gnomAD no frequency). This variant has not been reported in the literature in individuals affected with CEP290-related conditions. For these reasons, this variant has been classified as Pathogenic.

Literature cited by the submitters: PubMed 16909394; PubMed 17345604; PubMed 20690115.

NM_025114.4(CEP290):c.5509_5512del (p.Leu1837fs)

Gene: CEP290 (centrosomal protein 290; minus strand). Cytogenetic location: 12q21.32.
Variant type: Deletion.
Coding change: c.5509_5512del on transcript NM_025114.4 (MANE Select); coding-DNA positions 5509 to 5512, 4 bases deleted (CTTA; older notation c.5509_5512delCTTA).
Protein change: p.Leu1837fs; shifts the reading frame from leucine 1837.
Molecular consequence: frameshift variant.
Genome position (GRCh38, 1-based): chr12:88,077,771-88,077,774, TAAG deleted on the plus strand (CTTA on the coding strand, the reverse complement: CEP290 is on the minus strand); deleting any 4 consecutive bases within chr12:88,077,771-88,077,776 gives the same sequence; the c. name uses the placement nearest the transcript's 3' end. VCF-style (leftmost placement, unchanged base first): chr12-88077770-CTAAG-C. GRCh37 (hg19) VCF-style: chr12-88471547-CTAAG-C.
Other names: short protein forms L1837fs.
Identifiers: ClinVar variation 2952146 (VCV002952146.3), dbSNP rs2499856690, ClinGen allele CA2620104852.